The following is an entry in ClinVar:

ClinVar aggregate classification (germline): Uncertain significance. Review status: criteria provided, multiple submitters, no conflicts (2 of 4 stars). 2 submissions from 2 submitters: Uncertain significance (2). Last evaluated 2022-09-14.

Allele frequency attached by ClinVar (database versions not stated): gnomAD exomes below 0.00001.
gnomAD v4.1: 4 of 1,471,802 alleles (0.00027%); highest among the groups gnomAD compares: Non-Finnish European, 0.00036%; no homozygotes.

Submissions (2):

Blueprint Genetics
Classification: Uncertain significance. Last evaluated: 2022-09-14. Review status: criteria provided, single submitter. Criteria: ACMG Guidelines, 2015. Collection method: clinical testing. Allele origin: germline.

Labcorp Genetics (formerly Invitae), Labcorp
Classification: Uncertain significance. Last evaluated: 2022-06-15. Review status: criteria provided, single submitter. Criteria: Invitae Variant Classification Sherloc (09022015). Collection method: clinical testing. Allele origin: germline.
Comment: This sequence change replaces arginine, which is basic and polar, with tryptophan, which is neutral and slightly polar, at codon 11 of the CFAP410 protein (p.Arg11Trp). This variant is present in population databases (no rsID available, gnomAD 0.002%). This variant has not been reported in the literature in individuals affected with CFAP410-related conditions. Algorithms developed to predict the effect of missense changes on protein structure and function are either unavailable or do not agree on the potential impact of this missense change (SIFT: "Deleterious"; PolyPhen-2: "Possibly Damaging"; Align-GVGD: "Class C0"). In summary, the available evidence is currently insufficient to determine the role of this variant in disease. Therefore, it has been classified as a Variant of Uncertain Significance.

NM_004928.3(CFAP410):c.31C>T (p.Arg11Trp)

Genes: CFAP410 (cilia and flagella associated protein 410; minus strand), LOC130066823 (ATAC-STARR-seq lymphoblastoid silent region 13383; plus strand). Cytogenetic location: 21q22.3.
Variant type: single nucleotide variant.
Coding change: c.31C>T on transcript NM_004928.3 (MANE Select); coding-DNA position 31, C replaced by T.
Protein change: p.Arg11Trp; replaces arginine 11 with tryptophan.
Molecular consequence: missense variant.
Genome position (GRCh38, 1-based): chr21:44,339,164, G>A on the plus strand (C>T on the coding strand, the complement: CFAP410 is on the minus strand). VCF-style: chr21-44339164-G-A. GRCh37 (hg19) VCF-style: chr21-45759047-G-A.
Other names: c.31C>T, p.Arg11Trp (NM_001271440.2, NM_001271441.2); short protein forms R11W.
Identifiers: ClinVar variation 2419415 (VCV002419415.5), dbSNP rs1332986072, ClinGen allele CA410461309.